The following is an entry in ClinVar:

ClinVar aggregate classification (germline): Uncertain significance. Review status: criteria provided, multiple submitters, no conflicts (2 of 4 stars). 2 submissions from 2 submitters: Uncertain significance (2). Last evaluated 2025-04-14.

Conditions:
Primary ciliary dyskinesia. Also called: Ciliary dyskinesia. Identifiers: Orphanet 244, MedGen C0008780, MONDO:0016575, HP:0012265.

Submissions (2):

Ambry Genetics
Classification: Uncertain significance for Primary ciliary dyskinesia. Last evaluated: 2025-04-14. Review status: criteria provided, single submitter. Criteria: Ambry Variant Classification Scheme 2023. Collection method: clinical testing. Allele origin: germline.

Labcorp Genetics (formerly Invitae), Labcorp
Classification: Uncertain significance for Primary ciliary dyskinesia. Last evaluated: 2021-12-08. Review status: criteria provided, single submitter. Criteria: Invitae Variant Classification Sherloc (09022015). Collection method: clinical testing. Allele origin: germline.
Comment: This sequence change replaces isoleucine, which is neutral and non-polar, with valine, which is neutral and non-polar, at codon 175 of the CCDC114 protein (p.Ile175Val). This variant is not present in population databases (gnomAD no frequency). This variant has not been reported in the literature in individuals affected with CCDC114-related conditions. Algorithms developed to predict the effect of missense changes on protein structure and function (SIFT, PolyPhen-2, Align-GVGD) all suggest that this variant is likely to be tolerated. In summary, the available evidence is currently insufficient to determine the role of this variant in disease. Therefore, it has been classified as a Variant of Uncertain Significance.

NM_001364171.2(ODAD1):c.634A>G (p.Ile212Val)

Gene: ODAD1 (outer dynein arm docking complex subunit 1; minus strand). Cytogenetic location: 19q13.33.
Variant type: single nucleotide variant.
Coding change: c.634A>G on transcript NM_001364171.2 (MANE Select); coding-DNA position 634, A replaced by G.
Protein change: p.Ile212Val; replaces isoleucine 212 with valine.
Molecular consequence: missense variant.
Genome position (GRCh38, 1-based): chr19:48,306,287, T>C on the plus strand (A>G on the coding strand, the complement: ODAD1 is on the minus strand). VCF-style: chr19-48306287-T-C. GRCh37 (hg19) VCF-style: chr19-48809544-T-C.
Other names: c.523A>G (NM_144577.3); c.523A>G, p.Ile175Val (NM_144577.4); short protein forms I175V, I212V.
Identifiers: ClinVar variation 1941297 (VCV001941297.3), dbSNP rs2515941985, ClinGen allele CA406662805.
Genomic context (GRCh38, chr19:48,306,287, plus strand): 5'-CGCCATCCCAGGATACCCGCAGTCTCTACCTGACGGCGTAGGCAGAGGTGGAGGAGAGGA[T>C]AAGGGTGCTGACCAGGTGATGCAGGTGGTGGATCTCCTGTGGGGGGAGGAGAAAAAAATC-3'
Protein context (NP_001351100.1, residues 202-222): HHLHHLVSTL[Ile212Val]LSSTSAYAVR